The following is an entry in ClinVar:

ClinVar aggregate classification (germline): Uncertain significance (1 of 4 stars; one submission).

Conditions:
OTOG-related disorder. Also called: OTOG-related condition.

Submission:

PreventionGenetics, part of Exact Sciences
Classification: Uncertain significance for OTOG-related condition. Last evaluated: 2026-08-10. Review status: criteria provided, single submitter. Criteria: ACMG Guidelines, 2015. Collection method: clinical testing. Allele origin: germline.
Comment: The OTOG c.3053A>G variant is predicted to result in the amino acid substitution p.Asp1018Gly. To our knowledge, this variant has not been reported in the literature or in a large population database (gnomAD), indicating this variant is rare. At this time, the clinical significance of this variant is uncertain due to the absence of conclusive functional and genetic evidence.

NM_001292063.2(OTOG):c.3017A>G (p.Asp1006Gly)

Gene: OTOG (otogelin; plus strand). Cytogenetic location: 11p15.1.
Variant type: single nucleotide variant.
Coding change: c.3017A>G on transcript NM_001292063.2 (MANE Select); coding-DNA position 3017, A replaced by G.
Protein change: p.Asp1006Gly; replaces aspartic acid 1006 with glycine.
Molecular consequence: missense variant.
Genome position (GRCh38, 1-based): chr11:17,593,203, A>G. VCF-style: chr11-17593203-A-G. GRCh37 (hg19) VCF-style: chr11-17614750-A-G.
Other names: c.3053A>G, p.Asp1018Gly (NM_001277269.2); short protein forms D1006G, D1018G.
Identifiers: ClinVar variation 4990313 (VCV004990313.1).